The following is an entry in ClinVar:

NM_002693.3(POLG):c.371A>T (p.Glu124Val)

Genes: POLG (DNA polymerase gamma, catalytic subunit; minus strand), POLGARF (POLG alternative reading frame; minus strand). Cytogenetic location: 15q26.1.
Variant type: single nucleotide variant.
Coding change: c.371A>T on transcript NM_002693.3 (MANE Select); coding-DNA position 371, A replaced by T.
Protein change: p.Glu124Val; replaces glutamic acid 124 with valine.
Molecular consequence: missense variant.
Genome position (GRCh38, 1-based): chr15:89,333,384, T>A on the plus strand (A>T on the coding strand, the complement: POLG is on the minus strand). VCF-style: chr15-89333384-T-A. GRCh37 (hg19) VCF-style: chr15-89876615-T-A.
Other names: c.371A>T, p.Glu124Val (NM_001126131.2); short protein forms E124V.
Identifiers: ClinVar variation 1353936 (VCV001353936.5), dbSNP rs1418568120, ClinGen allele CA393772231.

ClinVar aggregate classification (germline): Uncertain significance (1 of 4 stars; one submission).

Conditions:
Progressive sclerosing poliodystrophy (MTDPS4A). Also called: NEURONAL DEGENERATION OF CHILDHOOD WITH LIVER DISEASE, PROGRESSIVE; Alpers Syndrome; ALPERS DIFFUSE DEGENERATION OF CEREBRAL GRAY MATTER WITH HEPATIC CIRRHOSIS; Alpers-Huttenlocher Syndrome; Mitochondrial DNA depletion syndrome 4A (Alpers type); Mitochondrial DNA Depletion Syndrome 4A. Identifiers: Orphanet 726, MedGen C0205710, MONDO:0008758, OMIM 203700.

gnomAD v4.1: 2 of 1,585,372 alleles (0.00013%); highest among the groups gnomAD compares: Non-Finnish European, 0.000086%; no homozygotes.

Submission:

Labcorp Genetics (formerly Invitae), Labcorp
Classification: Uncertain significance for Progressive sclerosing poliodystrophy. Last evaluated: 2021-08-27. Review status: criteria provided, single submitter. Criteria: Invitae Variant Classification Sherloc (09022015). Collection method: clinical testing. Allele origin: germline.
Comment: This sequence change replaces glutamic acid with valine at codon 124 of the POLG protein (p.Glu124Val). The glutamic acid residue is moderately conserved and there is a moderate physicochemical difference between glutamic acid and valine. This variant is not present in population databases (ExAC no frequency). This variant has not been reported in the literature in individuals affected with POLG-related conditions. Algorithms developed to predict the effect of missense changes on protein structure and function are either unavailable or do not agree on the potential impact of this missense change (SIFT: "Tolerated"; PolyPhen-2: "Possibly Damaging"; Align-GVGD: "Class C0"). In summary, the available evidence is currently insufficient to determine the role of this variant in disease. Therefore, it has been classified as a Variant of Uncertain Significance.